The following is an entry in ClinVar:

ClinVar aggregate classification (germline): Pathogenic (1 of 4 stars; one submission).

Conditions:
Fanconi anemia (FA). Also called: Fanconi's anemia. Identifiers: Orphanet 84, MedGen C0015625, MeSH D005199, MONDO:0019391.

Submission:

Labcorp Genetics (formerly Invitae), Labcorp
Classification: Pathogenic for Fanconi anemia. Last evaluated: 2023-09-24. Review status: criteria provided, single submitter. Criteria: Invitae Variant Classification Sherloc (09022015). Collection method: clinical testing. Allele origin: germline.
Comment: For these reasons, this variant has been classified as Pathogenic. This variant has not been reported in the literature in individuals affected with FANCI-related conditions. This variant is not present in population databases (gnomAD no frequency). This sequence change creates a premature translational stop signal (p.Leu385Thrfs*16) in the FANCI gene. It is expected to result in an absent or disrupted protein product. Loss-of-function variants in FANCI are known to be pathogenic (PMID: 17452773, 17460694).

Literature cited by the submitters: PubMed 17452773; PubMed 17460694.

NM_001113378.2(FANCI):c.1152dup (p.Leu385fs)

Gene: FANCI (FA complementation group I; plus strand). Cytogenetic location: 15q26.1.
Variant type: Duplication.
Coding change: c.1152dup on transcript NM_001113378.2 (MANE Select); coding-DNA position 1152, one base duplicated (A; older notation c.1152dupA).
Protein change: p.Leu385fs; shifts the reading frame from leucine 385.
Molecular consequence: frameshift variant.
Genome position (GRCh38, 1-based): chr15:89,276,750, A duplicated; the last of 2 consecutive A bases (chr15:89,276,749-89,276,750); duplicating either gives the same sequence. VCF-style (leftmost placement, unchanged base first): chr15-89276748-G-GA. GRCh37 (hg19) VCF-style: chr15-89819979-G-GA.
Other names: c.873dup, p.Leu292fs (NM_001376910.1); c.1152dup, p.Leu385fs (NM_001376911.1, NM_018193.3); short protein forms L385fs, L292fs.
Identifiers: ClinVar variation 2763113 (VCV002763113.3), dbSNP rs2506448081, ClinGen allele CA2697549319.
Genomic context (GRCh38, chr15:89,276,748, plus strand): 5'-AACTAAGCTTTGTGTTCTTGTAGCGTTCATAGCTGGGACCATGTTACTCAGGGCCTCGTA[G>GA]AACTTGGTTTCATTTTGATGGATTCATATGGGCCAAAGAAGGTTCTTGATGGAAAAACTA-3'